The following is an entry in ClinVar:

ClinVar aggregate classification (germline): Pathogenic. Review status: criteria provided, multiple submitters, no conflicts (2 of 4 stars). 2 submissions from 2 submitters: Pathogenic (2). Last evaluated 2025-12-26.

Conditions:
Familial adenomatous polyposis 1 (FAP1). Also called: FAMILIAL ADENOMATOUS POLYPOSIS 1, ATTENUATED; POLYPOSIS, ADENOMATOUS INTESTINAL. Identifiers: MedGen C2713442, MONDO:0021056, OMIM 175100. Disease mechanism: loss of function.
Familial multiple polyposis syndrome (FAP). Also called: Familial polyposis; Familial adenomatous polyposis; Familial intestinal polyposis; Familial Adenomatous Polyposis (FAP); Classic familial adenomatous polyposis. Identifiers: Orphanet 733, MedGen C0032580, MONDO:0021055. Disease mechanism: loss of function.

Submissions (2):

Women's Health and Genetics/Laboratory Corporation of America, LabCorp
Classification: Pathogenic for Familial multiple polyposis syndrome. Last evaluated: 2025-12-26. Review status: criteria provided, single submitter. Criteria: LabCorp Variant Classification Summary - May 2015. Collection method: clinical testing. Allele origin: germline.
Comment: Variant summary: APC c.132dupG (p.Lys45GlufsX5) results in a premature termination codon, predicted to cause absence of the protein due to nonsense mediated decay, which is a commonly known mechanism for disease. The variant was absent in 251274 control chromosomes (gnomAD). To our knowledge, no occurrence of c.132dupG in individuals affected with APC-related conditions and no experimental evidence demonstrating its impact on protein function have been reported. ClinVar contains an entry for this variant (Variation ID: 579756). Based on the evidence outlined above, the variant was classified as pathogenic.

Labcorp Genetics (formerly Invitae), Labcorp
Classification: Pathogenic for Familial adenomatous polyposis 1. Last evaluated: 2018-02-07. Review status: criteria provided, single submitter. Criteria: Invitae Variant Classification Sherloc (09022015). Collection method: clinical testing. Allele origin: germline.
Comment: For these reasons, this variant has been classified as Pathogenic. Loss-of-function variants in APC are known to be pathogenic (PMID: 17963004, 20685668). This variant has not been reported in the literature in individuals with APC-related disease. This variant is not present in population databases (ExAC no frequency). This sequence change creates a premature translational stop signal (p.Lys45Glufs*5) in the APC gene. It is expected to result in an absent or disrupted protein product.

Literature cited by the submitters: PubMed 17963004 (cited by Labcorp Genetics (formerly Invitae), Labcorp); PubMed 20685668 (cited by Labcorp Genetics (formerly Invitae), Labcorp).

NM_000038.6(APC):c.132dup (p.Lys45fs)

Gene: APC (APC regulator of Wnt signaling pathway; plus strand). Cytogenetic location: 5q22.2.
Variant type: Duplication.
Coding change: c.132dup on transcript NM_000038.6 (MANE Select); coding-DNA position 132, one base duplicated (G; older notation c.132dupG).
Protein change: p.Lys45fs; shifts the reading frame from lysine 45.
Molecular consequence: frameshift variant. On other transcripts: 5 prime UTR variant (1), intron variant (8).
Genome position (GRCh38, 1-based): chr5:112,755,022, G duplicated. VCF-style (leftmost placement, unchanged base first): chr5-112755021-T-TG. GRCh37 (hg19) VCF-style: chr5-112090718-T-TG.
Other names: c.132dupG (NM_000038.6, NM_000038.5); c.132dup, p.Lys45fs (NM_001127510.3, NM_001354895.2, NM_001354896.2 and 2 more transcripts); c.-904dup (NM_001354906.2); c.166-11304dup (NM_001354897.2, NM_001354902.2, NM_001127511.3); c.61-11304dup (NM_001354898.2, NM_001354904.2); c.-42-11304dup (NM_001354900.2, NM_001354901.2, NM_001354905.2); short protein forms K45fs.
Identifiers: ClinVar variation 579756 (VCV000579756.9), dbSNP rs1561445097, ClinGen allele CA891843148.